The following is an entry in ClinVar:

ClinVar aggregate classification (germline): Likely benign. Review status: criteria provided, multiple submitters, no conflicts (2 of 4 stars). 2 submissions from 2 submitters: Likely benign (2). Last evaluated 2025-03-09.

Conditions:
Arrhythmogenic right ventricular cardiomyopathy (ARVD). Also called: Arrhythmogenic right ventricular dysplasia; Cardiomyopathy, ARVC; Arrhythmogenic cardiomyopathy; Arrhythmogenic Right Ventricular Cardiomyopathy (ARVC). Identifiers: Orphanet 247, MedGen C0349788, MeSH D019571, MONDO:0016587. Disease mechanism: loss of function. Inheritance: Various modes of inheritance.
Arrhythmogenic right ventricular dysplasia 9 (ARVD9). Also called: ARRHYTHMOGENIC RIGHT VENTRICULAR DYSPLASIA, FAMILIAL, 9; Arrhythmogenic Right Ventricular Dysplasia/Cardiomyopathy 9. Identifiers: MedGen C1836906, MONDO:0012180, OMIM 609040.

Submissions (2):

Labcorp Genetics (formerly Invitae), Labcorp
Classification: Likely benign for Arrhythmogenic right ventricular dysplasia 9. Last evaluated: 2025-03-09. Review status: criteria provided, single submitter. Criteria: Invitae Variant Classification Sherloc (09022015). Collection method: clinical testing. Allele origin: germline.

All of Us Research Program, National Institutes of Health
Classification: Likely benign for Arrhythmogenic right ventricular cardiomyopathy. Last evaluated: 2024-05-14. Review status: criteria provided, single submitter. Criteria: ACMG Guidelines, 2015. Collection method: clinical testing. Allele origin: germline. Inheritance: Autosomal dominant inheritance. Observed: 1 variant allele, 1 heterozygote.
Comment: This study involves interpretation of variants in research participants for the purpose of population health screening. Participant phenotype was not available at the time of variant classification. Additional details can be found in publication PMID: 35346344, PMCID: PMC8962531

NM_001005242.3(PKP2):c.1557-16_1557-15del

Gene: PKP2 (plakophilin 2; minus strand). Cytogenetic location: 12p11.21.
Variant type: Deletion.
Coding change: c.1557-16_1557-15del on transcript NM_001005242.3 (MANE Select); 16 bases into the intron before coding-DNA position 1557 through 15 bases into the intron before coding-DNA position 1557, 2 bases deleted (TT; older notation c.1557-16_1557-15delTT).
Molecular consequence: intron variant.
Genome position (GRCh38, 1-based): chr12:32,824,177-32,824,178, AA deleted on the plus strand (TT on the coding strand, the reverse complement: PKP2 is on the minus strand); deleting any 2 consecutive bases within chr12:32,824,177-32,824,182 gives the same sequence; the c. name uses the placement nearest the transcript's 3' end. VCF-style (leftmost placement, unchanged base first): chr12-32824176-CAA-C. GRCh37 (hg19) VCF-style: chr12-32977110-CAA-C.
Other names: c.1557-16_1557-15del (NM_001407156.1, NM_001407155.1, NM_001407161.1); c.1689-16_1689-15del (NM_004572.4, NM_001407157.1); c.1230-16_1230-15del (NM_001407160.1, NM_001407159.1, NM_001407158.1 and 1 more transcripts).
Identifiers: ClinVar variation 3387473 (VCV003387473.2).